The following is an entry in ClinVar:

NM_001376.5(DYNC1H1):c.10547A>G (p.Tyr3516Cys)

Gene: DYNC1H1 (dynein cytoplasmic 1 heavy chain 1; plus strand). Cytogenetic location: 14q32.31.
Variant type: single nucleotide variant.
Coding change: c.10547A>G on transcript NM_001376.5 (MANE Select); coding-DNA position 10547, A replaced by G.
Protein change: p.Tyr3516Cys; replaces tyrosine 3516 with cysteine.
Molecular consequence: missense variant.
Genome position (GRCh38, 1-based): chr14:102,034,109, A>G. VCF-style: chr14-102034109-A-G. GRCh37 (hg19) VCF-style: chr14-102500446-A-G.
Other names: short protein forms Y3516C.
Identifiers: ClinVar variation 2504371 (VCV002504371.5), dbSNP rs2503826145, ClinGen allele CA391027184.

ClinVar aggregate classification (germline): Uncertain significance. Review status: criteria provided, multiple submitters, no conflicts (2 of 4 stars). 3 submissions from 3 submitters: Uncertain significance (3). Last evaluated 2026-08-23.

Conditions:
Inborn genetic diseases. Identifiers: MedGen C0950123, MeSH D030342.
Charcot-Marie-Tooth disease axonal type 2O. Also called: CHARCOT-MARIE-TOOTH DISEASE, AXONAL, AUTOSOMAL DOMINANT, TYPE 2O; CHARCOT-MARIE-TOOTH NEUROPATHY, AXONAL, TYPE 2O; Charcot-Marie-Tooth Neuropathy Type 2O; Charcot-Marie-Tooth disease, axonal, type 20. Identifiers: Orphanet 284232, MedGen C3280220, MONDO:0013644, OMIM 614228.

gnomAD v4.1: 3 of 1,614,134 alleles (0.00019%); highest among the groups gnomAD compares: Admixed American, 0.0017%; no homozygotes.

Submissions (3):

Ambry Genetics
Classification: Uncertain significance for Inborn genetic diseases. Last evaluated: 2026-08-23. Review status: criteria provided, single submitter. Criteria: Ambry Variant Classification Scheme 2023. Collection method: clinical testing. Allele origin: germline.

Labcorp Genetics (formerly Invitae), Labcorp
Classification: Uncertain significance for Charcot-Marie-Tooth disease axonal type 2O. Last evaluated: 2023-12-13. Review status: criteria provided, single submitter. Criteria: Invitae Variant Classification Sherloc (09022015). Collection method: clinical testing. Allele origin: germline.
Comment: This sequence change replaces tyrosine, which is neutral and polar, with cysteine, which is neutral and slightly polar, at codon 3516 of the DYNC1H1 protein (p.Tyr3516Cys). This variant is not present in population databases (gnomAD no frequency). This variant has not been reported in the literature in individuals affected with DYNC1H1-related conditions. ClinVar contains an entry for this variant (Variation ID: 2504371). Advanced modeling of protein sequence and biophysical properties (such as structural, functional, and spatial information, amino acid conservation, physicochemical variation, residue mobility, and thermodynamic stability) performed at Invitae indicates that this missense variant is expected to disrupt DYNC1H1 protein function with a positive predictive value of 95%. In summary, the available evidence is currently insufficient to determine the role of this variant in disease. Therefore, it has been classified as a Variant of Uncertain Significance.

GeneDx
Classification: Uncertain significance. Last evaluated: 2022-12-01. Review status: criteria provided, single submitter. Criteria: GeneDx Variant Classification Process June 2021. Collection method: clinical testing. Allele origin: germline. Affected: yes.
Comment: Not observed at significant frequency in large population cohorts (gnomAD); In silico analysis supports that this missense variant has a deleterious effect on protein structure/function; Has not been previously published as pathogenic or benign to our knowledge; This variant is associated with the following publications: (PMID: 26100331, 25609763, 25512093)